The following is an entry in ClinVar:

ClinVar aggregate classification (germline): Uncertain significance. Review status: criteria provided, single submitter (1 of 4 stars). 2 submissions from 2 submitters: Uncertain significance (1). 1 of the submissions does not count toward it. Last evaluated 2024-05-02.

Conditions:
BBS4-related disorder. Also called: BBS4-related condition.
Inborn genetic diseases. Identifiers: MedGen C0950123, MeSH D030342.

gnomAD v4.1: 2 of 1,614,082 alleles (0.00012%); highest among the groups gnomAD compares: Non-Finnish European, 0.00017%; no homozygotes.

Submissions (2):

Ambry Genetics
Classification: Uncertain significance for Inborn genetic diseases. Last evaluated: 2024-05-02. Review status: criteria provided, single submitter. Criteria: Ambry Variant Classification Scheme 2023. Collection method: clinical testing. Allele origin: germline.

PreventionGenetics, part of Exact Sciences
Classification: Uncertain significance for BBS4-related condition. Last evaluated: 2024-03-01. Review status: no assertion criteria provided. Collection method: clinical testing. Allele origin: germline. Not counted in ClinVar's aggregate classification.
Comment: The BBS4 c.931G>A variant is predicted to result in the amino acid substitution p.Gly311Ser. To our knowledge, this variant has not been reported in the literature or in a large population database, indicating this variant is rare. At this time, the clinical significance of this variant is uncertain due to the absence of conclusive functional and genetic evidence.

NM_033028.5(BBS4):c.931G>A (p.Gly311Ser)

Gene: BBS4 (Bardet-Biedl syndrome 4; plus strand). Cytogenetic location: 15q24.1.
Variant type: single nucleotide variant.
Coding change: c.931G>A on transcript NM_033028.5 (MANE Select); coding-DNA position 931, G replaced by A.
Protein change: p.Gly311Ser; replaces glycine 311 with serine.
Molecular consequence: missense variant. On other transcripts: non-coding transcript variant (2).
Genome position (GRCh38, 1-based): chr15:72,731,621, G>A. VCF-style: chr15-72731621-G-A. GRCh37 (hg19) VCF-style: chr15-73023962-G-A.
Other names: c.415G>A, p.Gly139Ser (NM_001252678.2); c.862G>A, p.Gly288Ser (NM_001320665.2); c.931G>A (NM_033028.4); short protein forms G139S, G288S, G311S.
Identifiers: ClinVar variation 3260543 (VCV003260543.2).